The following is an entry in ClinVar:

NC_000003.12:g.169764651G>C

Gene: TERC (telomerase RNA component; minus strand). Cytogenetic location: 3q26.2.
Variant type: single nucleotide variant.
Genome position: GRCh38 VCF-style: chr3-169764651-G-C. GRCh37 (hg19) VCF-style: chr3-169482439-G-C.
Other names: NR_001566.1:r.410c>g.
Identifiers: ClinVar variation 39295 (VCV000039295.7), dbSNP rs199422286, ClinGen allele CA343767.
Genomic context (GRCh38, chr3:169,764,651, plus strand): 5'-ACCAACAGGAAAGCGAACTGCATGTGTGAGCCGAGTCCTGGGTGCACGTCCCACAGCTCA[G>C]GGAATCGCGCCGCGCGCGGGGACTCGCTCCGTTCCTCTTCCTGCGGCCTGAAAGGCCTGA-3'

ClinVar aggregate classification (germline): Uncertain significance. Review status: criteria provided, single submitter (1 of 4 stars). 2 submissions from 2 submitters: Uncertain significance (1). 1 of the submissions does not count toward it. Last evaluated 2022-09-16.

Conditions:
Dyskeratosis congenita, autosomal dominant 1 (DKCA1). Also called: Dyskeratosis congenita Scoggins type. Identifiers: Orphanet 1775, MedGen C4551974, MONDO:0007485, OMIM 127550. Inheritance: Variable.

Submissions (2):

Labcorp Genetics (formerly Invitae), Labcorp
Classification: Uncertain significance for Dyskeratosis congenita, autosomal dominant 1. Last evaluated: 2022-09-16. Review status: criteria provided, single submitter. Criteria: Invitae Variant Classification Sherloc (09022015). Collection method: clinical testing. Allele origin: germline.
Comment: In summary, the available evidence is currently insufficient to determine the role of this variant in disease. Therefore, it has been classified as a Variant of Uncertain Significance. This variant is located within the BoxH/ACA scaRNA domain of the TERC RNA component, which is required for telomerase activity (PMID: 21844345). Experimental studies and prediction algorithms are not available or were not evaluated, and the functional significance of this variant is currently unknown. This variant is not present in population databases (gnomAD no frequency). This variant occurs in the TERC gene, which encodes an RNA molecule that does not result in a protein product. This variant has not been reported in the literature in individuals affected with TERC-related conditions. ClinVar contains an entry for this variant (Variation ID: 39295).

GeneReviews
Classification: Pathogenic for Dyskeratosis Congenita. Last evaluated: 2012-05-10. Review status: no assertion criteria provided. Collection method: curation. Allele origin: unknown. Not counted in ClinVar's aggregate classification.
ClinVar note: Converted during submission from pathologic to Pathogenic.

Literature cited by the submitters: PubMed 21844345 (cited by Labcorp Genetics (formerly Invitae), Labcorp).